The following is an entry in ClinVar:

NM_000218.3(KCNQ1):c.569_582del (p.Arg190fs)

Gene: KCNQ1 (potassium voltage-gated channel subfamily Q member 1; plus strand). Cytogenetic location: 11p15.5.
Variant type: Deletion.
Coding change: c.569_582del on transcript NM_000218.3 (MANE Select); coding-DNA positions 569 to 582, 14 bases deleted (GGCTGCGCTTTGCC).
Protein change: p.Arg190fs; shifts the reading frame from arginine 190.
Molecular consequence: frameshift variant.
Genome position (GRCh38, 1-based): chr11:2,570,719-2,570,732, GGCTGCGCTTTGCC deleted; deleting any 14 consecutive bases within chr11:2,570,718-2,570,732 gives the same sequence; the c. name uses the placement nearest the transcript's 3' end. VCF-style (leftmost placement, unchanged base first): chr11-2570717-GCGGCTGCGCTTTGC-G. GRCh37 (hg19) VCF-style: chr11-2591947-GCGGCTGCGCTTTGC-G.
Other names: c.569_582delGGCTGCGCTTTGCC, p.Arg190Profs (NM_001406836.1); c.299_312delGGCTGCGCTTTGCC, p.Arg100Profs (NM_001406837.1); c.188_201delGGCTGCGCTTTGCC, p.Arg63Profs (NM_181798.2); short protein forms R190fs, R63fs.
Identifiers: ClinVar variation 200882 (VCV000200882.4), dbSNP rs794728556, ClinGen allele CA007538.

ClinVar aggregate classification (germline): Pathogenic (1 of 4 stars; one submission).

Submission:

GeneDx
Classification: Pathogenic. Last evaluated: 2014-01-10. Review status: criteria provided, single submitter. Criteria: GeneDx Variant Classification (06012015). Collection method: clinical testing. Allele origin: germline. Affected: yes.
Comment: Although the c.569_582del mutation in the KCNQ1 gene has not been reported to our knowledge, this mutation causes a shift in reading frame starting at codon Arginine190, changing it to a Proline, and creating a premature stop codon at position 90 of the new reading frame, denoted p.Arg190ProfsX90. This mutation is expected to result in either an abnormal, truncated protein product or loss of protein from this allele through nonsense-mediated mRNA decay. Other frameshift mutations in the KCNQ1 gene have been reported in association with LQTS. In summary, c.569_582del in the KCNQ1 gene is interpreted as a disease-causing mutation.